The following is an entry in ClinVar:

NM_002473.6(MYH9):c.1192C>T (p.Arg398Trp)

Gene: MYH9 (myosin heavy chain 9; minus strand). Cytogenetic location: 22q12.3.
Variant type: single nucleotide variant.
Coding change: c.1192C>T on transcript NM_002473.6 (MANE Select); coding-DNA position 1192, C replaced by T.
Protein change: p.Arg398Trp; replaces arginine 398 with tryptophan.
Molecular consequence: missense variant.
Genome position (GRCh38, 1-based): chr22:36,318,242, G>A on the plus strand (C>T on the coding strand, the complement: MYH9 is on the minus strand). VCF-style: chr22-36318242-G-A. GRCh37 (hg19) VCF-style: chr22-36714287-G-A.
Other names: short protein forms R398W.
Identifiers: ClinVar variation 3679694 (VCV003679694.2).
Genomic context (GRCh38, chr22:36,318,242, plus strand): 5'-GCTGCCCTGGCCCCAGAGGACATACCTGCTCTTTAGTCTGCGCCTTCTGGACGTAATCCC[G>A]TCCCACCTTGATGCGCGGGGTGAGGATTCCTCTGGTGAAATCGGTCACATTGATACCCAA-3'
Protein context (NP_002464.1, residues 388-408): GILTPRIKVG[Arg398Trp]DYVQKAQTKE

ClinVar aggregate classification (germline): Uncertain significance (1 of 4 stars; one submission).

gnomAD v4.1: 1 of 1,613,764 alleles (0.000062%); no homozygotes.

Submission:

Labcorp Genetics (formerly Invitae), Labcorp
Classification: Uncertain significance. Last evaluated: 2024-06-20. Review status: criteria provided, single submitter. Criteria: Invitae Variant Classification Sherloc (09022015). Collection method: clinical testing. Allele origin: germline.
Comment: This sequence change replaces arginine, which is basic and polar, with tryptophan, which is neutral and slightly polar, at codon 398 of the MYH9 protein (p.Arg398Trp). This variant is not present in population databases (gnomAD no frequency). This variant has not been reported in the literature in individuals affected with MYH9-related conditions. Advanced modeling of protein sequence and biophysical properties (such as structural, functional, and spatial information, amino acid conservation, physicochemical variation, residue mobility, and thermodynamic stability) performed at Invitae indicates that this missense variant is expected to disrupt MYH9 protein function with a positive predictive value of 80%. In summary, the available evidence is currently insufficient to determine the role of this variant in disease. Therefore, it has been classified as a Variant of Uncertain Significance.